The following is an entry in ClinVar:

NM_018975.4(TERF2IP):c.289G>C (p.Glu97Gln)

Gene: TERF2IP (TERF2 interacting protein; plus strand). Cytogenetic location: 16q23.1.
Variant type: single nucleotide variant.
Coding change: c.289G>C on transcript NM_018975.4 (MANE Select); coding-DNA position 289, G replaced by C.
Protein change: p.Glu97Gln; replaces glutamic acid 97 with glutamine.
Molecular consequence: missense variant. On other transcripts: non-coding transcript variant (1).
Genome position (GRCh38, 1-based): chr16:75,648,171, G>C. VCF-style: chr16-75648171-G-C. GRCh37 (hg19) VCF-style: chr16-75682069-G-C.
Other names: short protein forms E97Q.
Identifiers: ClinVar variation 1797400 (VCV001797400.2), dbSNP rs1321974807, ClinGen allele CA396817605.

ClinVar aggregate classification (germline): Uncertain significance (1 of 4 stars; one submission).

gnomAD v4.1: 1 of 1,564,700 alleles (0.000064%); highest among the groups gnomAD compares: Non-Finnish European, 0.000086%; no homozygotes.

Submission:

Ambry Genetics
Classification: Uncertain significance. Last evaluated: 2021-07-09. Review status: criteria provided, single submitter. Criteria: Ambry Variant Classification Scheme 2023. Collection method: clinical testing. Allele origin: germline.
Comment: The p.E97Q variant (also known as c.289G>C), located in coding exon 1 of the TERF2IP gene, results from a G to C substitution at nucleotide position 289. The glutamic acid at codon 97 is replaced by glutamine, an amino acid with highly similar properties. This amino acid position is conserved. In addition, this alteration is predicted to be tolerated by in silico analysis. Since supporting evidence is limited at this time, the clinical significance of this alteration remains unclear.